The following is an entry in ClinVar:

ClinVar aggregate classification (germline): Likely benign. Review status: criteria provided, multiple submitters, no conflicts (2 of 4 stars). 4 submissions from 4 submitters: Likely benign (3). 1 of the submissions does not count toward it. Last evaluated 2026-01-10.

Conditions:
Hereditary cancer-predisposing syndrome. Also called: Tumor predisposition; Hereditary neoplastic syndrome; Neoplastic Syndromes, Hereditary; Hereditary Cancer Syndrome. Identifiers: Orphanet 140162, MedGen C0027672, MeSH D009386, MONDO:0015356.
Familial adenomatous polyposis 1 (FAP1). Also called: FAMILIAL ADENOMATOUS POLYPOSIS 1, ATTENUATED; POLYPOSIS, ADENOMATOUS INTESTINAL. Identifiers: MedGen C2713442, MONDO:0021056, OMIM 175100. Disease mechanism: loss of function.

Allele frequency attached by ClinVar (database versions not stated): gnomAD exomes 0.00002; TOPMed 0.00002; gnomAD 0.00003.
gnomAD v4.1: 29 of 1,595,840 alleles (0.0018%); highest among the groups gnomAD compares: Non-Finnish European, 0.0024%; no homozygotes.

Submissions (4):

Labcorp Genetics (formerly Invitae), Labcorp
Classification: Likely benign for Familial adenomatous polyposis 1. Last evaluated: 2026-01-10. Review status: criteria provided, single submitter. Criteria: Invitae Variant Classification Sherloc (09022015). Collection method: clinical testing. Allele origin: germline.

Color Diagnostics, LLC DBA Color Health
Classification: Likely benign for Hereditary cancer-predisposing syndrome. Last evaluated: 2016-09-02. Review status: criteria provided, single submitter. Criteria: ACMG Guidelines, 2015. Collection method: clinical testing. Allele origin: germline.

GeneDx
Classification: Likely benign. Last evaluated: 2016-05-05. Review status: criteria provided, single submitter. Criteria: GeneDx Variant Classification (06012015). Collection method: clinical testing. Allele origin: germline. Affected: yes.
Comment: This variant is considered likely benign or benign based on one or more of the following criteria: it is a conservative change, it occurs at a poorly conserved position in the protein, it is predicted to be benign by multiple in silico algorithms, and/or has population frequency not consistent with disease.

Counsyl
Classification: Likely benign for Familial adenomatous polyposis 1. Last evaluated: 2016-09-16. Review status: no assertion criteria provided. Collection method: clinical testing. Allele origin: unknown. Not counted in ClinVar's aggregate classification.

NM_000038.6(APC):c.933+16A>G

Gene: APC (APC regulator of Wnt signaling pathway; plus strand). Cytogenetic location: 5q22.2.
Variant type: single nucleotide variant.
Coding change: c.933+16A>G on transcript NM_000038.6 (MANE Select); 16 bases into the intron after coding-DNA position 933, A replaced by G.
Molecular consequence: intron variant.
Genome position (GRCh38, 1-based): chr5:112,815,609, A>G. VCF-style: chr5-112815609-A-G. GRCh37 (hg19) VCF-style: chr5-112151306-A-G.
Other names: c.933+16A>G (NM_001354895.2, NM_001127510.3, NM_001354896.2 and 1 more transcripts); c.963+16A>G (NM_001354897.2, NM_001354902.2); c.879+16A>G (NM_001127511.3); c.858+16A>G (NM_001354898.2, NM_001354904.2); c.84+16A>G (NM_001354906.2); c.849+16A>G (NM_001354899.2); c.756+16A>G (NM_001354900.2, NM_001354901.2, NM_001354905.2).
Identifiers: ClinVar variation 371969 (VCV000371969.13), dbSNP rs1057517599, ClinGen allele CA16042090.